The following is an entry in ClinVar:

NM_000455.5(STK11):c.-1C>T

Gene: STK11 (serine/threonine kinase 11; plus strand). Cytogenetic location: 19p13.3.
Variant type: single nucleotide variant.
Coding change: c.-1C>T on transcript NM_000455.5 (MANE Select); 1 bases upstream of the start codon, C replaced by T.
Molecular consequence: 5 prime UTR variant. On other transcripts: non-coding transcript variant (1).
Genome position (GRCh38, 1-based): chr19:1,206,913, C>T. VCF-style: chr19-1206913-C-T. GRCh37 (hg19) VCF-style: chr19-1206912-C-T.
Other names: c.-1C>T (NM_001407255.1).
Identifiers: ClinVar variation 185127 (VCV000185127.20), dbSNP rs759284466, ClinGen allele CA022704.

ClinVar aggregate classification (germline): Conflicting classifications of pathogenicity. Review status: criteria provided, conflicting classifications (1 of 4 stars). 8 submissions from 8 submitters: Uncertain significance (4); Benign (1); Likely benign (2). 1 of the submissions does not count toward it. Last evaluated 2025-11-21.

Conditions:
STK11-related disorder. Also called: STK11-related condition.
Breast and/or ovarian cancer. Identifiers: MedGen CN221562.
Hereditary cancer-predisposing syndrome. Also called: Tumor predisposition; Hereditary Cancer Syndrome; Hereditary neoplastic syndrome; Neoplastic Syndromes, Hereditary. Identifiers: Orphanet 140162, MedGen C0027672, MeSH D009386, MONDO:0015356.
Peutz-Jeghers syndrome (PJS). Also called: POLYPOSIS, HAMARTOMATOUS INTESTINAL; POLYPS-AND-SPOTS SYNDROME; Peutz-Jeghers polyposis; Periorificial lentiginosis syndrome. Identifiers: Orphanet 2869, MedGen C0031269, MeSH D010580, MONDO:0008280, OMIM 175200.

Allele frequency attached by ClinVar (database versions not stated): ExAC below 0.00001; gnomAD 0.00001; gnomAD exomes 0.00001; TOPMed 0.00001.
gnomAD v4.1: 33 of 1,575,088 alleles (0.0021%); highest among the groups gnomAD compares: Non-Finnish European, 0.0022%; no homozygotes.

Submissions (8):

Women's Health and Genetics/Laboratory Corporation of America, LabCorp
Classification: Benign. Last evaluated: 2025-11-21. Review status: criteria provided, single submitter. Criteria: LabCorp Variant Classification Summary - May 2015. Collection method: clinical testing. Allele origin: germline.
Comment: Variant summary: STK11 c.-1C>T is located in the untranslated mRNA region upstream of the initiation codon. The variant allele was found at a frequency of 2.1e-05 in 1575088 control chromosomes. The observed variant frequency exceeds the estimated maximal expected allele frequency for disease-causing variants in STK11.c.-1C>T has been reported in the literature in individuals affected with Lynch syndrome associated cancer (Yurgelun_2015). These report(s) do not provide unequivocal conclusions about association of the variant with Peutz-Jeghers Syndrome. To our knowledge, no experimental evidence demonstrating an impact on protein function has been reported. The following publication has been ascertained in the context of this evaluation (PMID: 25980754). ClinVar contains an entry for this variant (Variation ID: 185127). Based on the evidence outlined above, the variant was classified as benign.

Ambry Genetics
Classification: Uncertain significance for Hereditary cancer-predisposing syndrome. Last evaluated: 2025-09-23. Review status: criteria provided, single submitter. Criteria: Ambry Variant Classification Scheme 2023. Collection method: clinical testing. Allele origin: germline.
Comment: The c.-1C>T variant is located in the 5' untranslated region (5&rsquo; UTR) of the STK11 gene. This variant results from a C to T substitution 1 bases upstream from the first translated codon. This nucleotide position is poorly conserved in available vertebrate species. Since supporting evidence is limited at this time, the clinical significance of this alteration remains unclear.

CHEO Genetics Diagnostic Laboratory, Children's Hospital of Eastern Ontario
Classification: Uncertain significance for Breast and/or ovarian cancer. Last evaluated: 2022-09-28. Review status: criteria provided, single submitter. Criteria: ACMG Guidelines, 2015. Collection method: clinical testing. Allele origin: germline.

Genome-Nilou Lab
Classification: Uncertain significance for Peutz-Jeghers syndrome. Last evaluated: 2021-07-15. Review status: criteria provided, single submitter. Criteria: ACMG Guidelines, 2015. Collection method: clinical testing. Allele origin: germline. Affected: no.

Quest Diagnostics Nichols Institute San Juan Capistrano
Classification: Uncertain significance. Last evaluated: 2019-08-16. Review status: criteria provided, single submitter. Criteria: Quest Diagnostics criteria. Collection method: clinical testing. Allele origin: germline.

GeneDx
Classification: Likely benign. Last evaluated: 2018-09-26. Review status: criteria provided, single submitter. Criteria: GeneDx Variant Classification Process June 2021. Collection method: clinical testing. Allele origin: germline. Affected: yes.
Comment: This variant is associated with the following publications: (PMID: 25980754)

Color Diagnostics, LLC DBA Color Health
Classification: Likely benign for Hereditary cancer-predisposing syndrome. Last evaluated: 2015-04-13. Review status: criteria provided, single submitter. Criteria: ACMG Guidelines, 2015. Collection method: clinical testing. Allele origin: germline.

PreventionGenetics, part of Exact Sciences
Classification: Likely benign for STK11-related condition. Last evaluated: 2024-07-24. Review status: no assertion criteria provided. Collection method: clinical testing. Allele origin: germline. Not counted in ClinVar's aggregate classification.
Comment: This variant is classified as likely benign based on ACMG/AMP sequence variant interpretation guidelines (Richards et al. 2015 PMID: 25741868, with internal and published modifications).

Literature cited by the submitters: PubMed 25980754 (cited by 3 submitters).